The following is an entry in ClinVar:

NM_000535.7(PMS2):c.1044A>G (p.Glu348=)

Gene: PMS2 (PMS1 homolog 2, mismatch repair system component; minus strand). Cytogenetic location: 7p22.1.
Variant type: single nucleotide variant.
Coding change: c.1044A>G on transcript NM_000535.7 (MANE Select); coding-DNA position 1044, A replaced by G.
Protein change: p.Glu348=; no amino-acid change (glutamic acid 348 retained).
Molecular consequence: synonymous variant. On other transcripts: non-coding transcript variant (1), intron variant (2).
Genome position (GRCh38, 1-based): chr7:5,989,900, T>C on the plus strand (A>G on the coding strand, the complement: PMS2 is on the minus strand). VCF-style: chr7-5989900-T-C. GRCh37 (hg19) VCF-style: chr7-6029531-T-C.
Other names: c.639A>G, p.Glu213= (NM_001322003.2, NM_001322004.2, NM_001322005.2 and 1 more transcripts); c.726A>G, p.Glu242= (NM_001322007.2, NM_001322008.2); c.111A>G, p.Glu37= (NM_001322011.2, NM_001322012.2); c.471A>G, p.Glu157= (NM_001322013.2); c.1044A>G, p.Glu348= (NM_001322014.2); c.735A>G, p.Glu245= (NM_001322015.2); c.583+2073A>G (NM_001322010.2); c.988+2073A>G (NM_001322006.2).
Identifiers: ClinVar variation 512862 (VCV000512862.3), dbSNP rs1554298767, ClinGen allele CA453644196.

ClinVar aggregate classification (germline): Benign/Likely benign. Review status: criteria provided, multiple submitters, no conflicts (2 of 4 stars). 3 submissions from 3 submitters: Benign (1); Likely benign (2). Last evaluated 2026-06-08.

Conditions:
Hereditary cancer-predisposing syndrome. Also called: Tumor predisposition; Hereditary neoplastic syndrome; Neoplastic Syndromes, Hereditary; Hereditary Cancer Syndrome. Identifiers: Orphanet 140162, MedGen C0027672, MeSH D009386, MONDO:0015356.
Lynch syndrome 4 (LYNCH4). Also called: Hereditary non-polyposis colorectal cancer, type 4; Colorectal cancer, hereditary nonpolyposis, type 4. Identifiers: Orphanet 144, MedGen C1838333, MONDO:0013699, OMIM 614337. Disease mechanism: loss of function.

Submissions (3):

Ambry Genetics
Classification: Likely benign for Hereditary cancer-predisposing syndrome. Last evaluated: 2026-06-08. Review status: criteria provided, single submitter. Criteria: Ambry Variant Classification Scheme 2023. Collection method: clinical testing. Allele origin: germline.

Myriad Genetics, Inc.
Classification: Benign for Lynch syndrome 4. Last evaluated: 2025-01-29. Review status: criteria provided, single submitter. Criteria: Myriad Autosomal Dominant, Autosomal Recessive and X-Linked Classification Criteria (2023). Collection method: clinical testing. Allele origin: unknown.
Comment: This variant is considered benign. This variant is a silent/synonymous amino acid change and it is not expected to impact splicing.

GeneDx
Classification: Likely benign. Last evaluated: 2017-10-23. Review status: criteria provided, single submitter. Criteria: GeneDx Variant Classification (06012015). Collection method: clinical testing. Allele origin: germline. Affected: yes.
Comment: This variant is considered likely benign or benign based on one or more of the following criteria: it is a conservative change, it occurs at a poorly conserved position in the protein, it is predicted to be benign by multiple in silico algorithms, and/or has population frequency not consistent with disease.